The following is an entry in ClinVar:

NM_000368.5(TSC1):c.2816G>A (p.Gly939Glu)

Gene: TSC1 (TSC complex subunit 1; minus strand). Cytogenetic location: 9q34.13.
Variant type: single nucleotide variant.
Coding change: c.2816G>A on transcript NM_000368.5 (MANE Select); coding-DNA position 2816, G replaced by A.
Protein change: p.Gly939Glu; replaces glycine 939 with glutamic acid.
Molecular consequence: missense variant.
Genome position (GRCh38, 1-based): chr9:132,897,343, C>T on the plus strand (G>A on the coding strand, the complement: TSC1 is on the minus strand). VCF-style: chr9-132897343-C-T. GRCh37 (hg19) VCF-style: chr9-135772730-C-T.
Other names: c.2813G>A, p.Gly938Glu (NM_001162426.2, NM_001406597.1, NM_001406598.1 and 2 more transcripts); c.2663G>A, p.Gly888Glu (NM_001162427.2, NM_001406610.1); c.2453G>A, p.Gly818Glu (NM_001362177.2, NM_001406614.1, NM_001406615.1 and 4 more transcripts); c.2816G>A, p.Gly939Glu (NM_001406592.1, NM_001406593.1, NM_001406594.1 and 2 more transcripts); c.2801G>A, p.Gly934Glu (NM_001406601.1, NM_001406602.1); c.2798G>A, p.Gly933Glu (NM_001406603.1, NM_001406604.1); c.2774G>A, p.Gly925Glu (NM_001406605.1, NM_001406606.1, NM_001406607.1); c.2771G>A, p.Gly924Glu (NM_001406608.1, NM_001406609.1); and 8 more; short protein forms G621E, G933E, G934E, G938E, G622E, G804E, G818E, G873E.
Identifiers: ClinVar variation 2095821 (VCV002095821.4), dbSNP rs1350545510, ClinGen allele CA375368948.

ClinVar aggregate classification (germline): Uncertain significance (1 of 4 stars; one submission).

Conditions:
Tuberous sclerosis 1 (TSC1). Identifiers: Orphanet 805, MedGen C1854465, MONDO:0008612, OMIM 191100.

Allele frequency attached by ClinVar (database versions not stated): gnomAD 0.00001.
gnomAD v4.1: 1 of 1,614,042 alleles (0.000062%); no homozygotes.

Submission:

Labcorp Genetics (formerly Invitae), Labcorp
Classification: Uncertain significance for Tuberous sclerosis 1. Last evaluated: 2022-12-14. Review status: criteria provided, single submitter. Criteria: Invitae Variant Classification Sherloc (09022015). Collection method: clinical testing. Allele origin: germline.
Comment: This sequence change replaces glycine, which is neutral and non-polar, with glutamic acid, which is acidic and polar, at codon 939 of the TSC1 protein (p.Gly939Glu). This variant is not present in population databases (gnomAD no frequency). This variant has not been reported in the literature in individuals affected with TSC1-related conditions. Algorithms developed to predict the effect of missense changes on protein structure and function output the following: SIFT: "Tolerated"; PolyPhen-2: "Benign"; Align-GVGD: "Class C0". The glutamic acid amino acid residue is found in multiple mammalian species, which suggests that this missense change does not adversely affect protein function. In summary, the available evidence is currently insufficient to determine the role of this variant in disease. Therefore, it has been classified as a Variant of Uncertain Significance.